The following is an entry in ClinVar:

ClinVar aggregate classification (germline): Uncertain significance (1 of 4 stars; one submission).

gnomAD v4.1: 2 of 1,613,688 alleles (0.00012%); highest among the groups gnomAD compares: Admixed American, 0.0033%; no homozygotes.

Submission:

Women's Health and Genetics/Laboratory Corporation of America, LabCorp
Classification: Uncertain significance. Last evaluated: 2024-05-09. Review status: criteria provided, single submitter. Criteria: LabCorp Variant Classification Summary - May 2015. Collection method: clinical testing. Allele origin: germline.
Comment: Variant summary: LAMP1 c.601G>A (p.Ala201Thr) results in a non-conservative amino acid change in the encoded protein sequence. Four of five in-silico tools predict a benign effect of the variant on protein function. The variant allele was found at a frequency of 4e-06 in 247068 control chromosomes. The available data on variant occurrences in the general population are insufficient to allow any conclusion about variant significance. To our knowledge, no occurrence of c.601G>A in individuals affected with LAMP1 Related Disorders and no experimental evidence demonstrating its impact on protein function have been reported. No submitters have cited clinical-significance assessments for this variant to ClinVar. Based on the evidence outlined above, the variant was classified as uncertain significance.

NM_005561.4(LAMP1):c.601G>A (p.Ala201Thr)

Gene: LAMP1 (lysosomal associated membrane protein 1; plus strand). Cytogenetic location: 13q34.
Variant type: single nucleotide variant.
Coding change: c.601G>A on transcript NM_005561.4 (MANE Select); coding-DNA position 601, G replaced by A.
Protein change: p.Ala201Thr; replaces alanine 201 with threonine.
Molecular consequence: missense variant.
Genome position (GRCh38, 1-based): chr13:113,319,507, G>A. VCF-style: chr13-113319507-G-A. GRCh37 (hg19) VCF-style: chr13-113973822-G-A.
Other names: short protein forms A201T.
Identifiers: ClinVar variation 3336075 (VCV003336075.1).